The following is an entry in ClinVar:

ClinVar aggregate classification (germline): Uncertain significance (1 of 4 stars; one submission).

Conditions:
Hereditary breast ovarian cancer syndrome. Also called: Hereditary breast and/or ovarian cancer syndrome; BRCA1- and BRCA2-Associated Hereditary Breast and Ovarian Cancer; Hereditary breast and ovarian cancer syndrome; Hereditary breast and ovarian cancer; Hereditary breast and ovarian cancer syndrome (HBOC); Breast and ovarian cancer. Identifiers: Orphanet 145, MedGen C0677776, MeSH D061325, MONDO:0003582. Disease mechanism: loss of function.

Submissions (2):

Labcorp Genetics (formerly Invitae), Labcorp
Classification: Uncertain significance for Hereditary breast ovarian cancer syndrome. Last evaluated: 2019-12-16. Review status: criteria provided, single submitter. Criteria: Invitae Variant Classification Sherloc (09022015). Collection method: clinical testing. Allele origin: germline.
Comment: This variant has not been reported in the literature in individuals with BRCA1-related conditions. In summary, the available evidence is currently insufficient to determine the role of this variant in disease. Therefore, it has been classified as a Variant of Uncertain Significance. This variant has been reported not to substantially affect BRCA1 protein function (PMID: 30209399). This variant is not present in population databases (ExAC no frequency). This sequence change replaces threonine with asparagine at codon 1834 of the BRCA1 protein (p.Thr1834Asn). The threonine residue is highly conserved and there is a small physicochemical difference between threonine and asparagine.

Brotman Baty Institute, University of Washington
No classification provided (evidence only). Condition: Breast-ovarian cancer, familial 1. Review status: no classification provided. Collection method: in vitro. Allele origin: not applicable. Functional consequence: functionally_normal. Not counted in ClinVar's aggregate classification.
ClinVar note: "not provided" was previously submitted as the classification for the variant. However, the classification appeared to be based only on an observation of functional data so it was converted to no classification on 2025-07-30.

Literature cited by the submitters: PubMed 30209399 (cited by Labcorp Genetics (formerly Invitae), Labcorp).

NM_007294.4(BRCA1):c.5501C>A (p.Thr1834Asn)

Gene: BRCA1 (BRCA1 DNA repair associated; minus strand). Cytogenetic location: 17q21.31.
Variant type: single nucleotide variant.
Coding change: c.5501C>A on transcript NM_007294.4 (MANE Select); coding-DNA position 5501, C replaced by A.
Protein change: p.Thr1834Asn; replaces threonine 1834 with asparagine.
Molecular consequence: missense variant. On other transcripts: 3 prime UTR variant (1), non-coding transcript variant (1).
Genome position (GRCh38, 1-based): chr17:43,045,769, G>T on the plus strand (C>A on the coding strand, the complement: BRCA1 is on the minus strand). VCF-style: chr17-43045769-G-T. GRCh37 (hg19) VCF-style: chr17-41197786-G-T.
Other names: c.2072C>A, p.Thr691Asn (NM_001408421.1, NM_001408422.1, NM_001408423.1 and 1 more transcripts); c.2066C>A, p.Thr689Asn (NM_001408433.1, NM_001408434.1, NM_001408435.1 and 10 more transcripts); c.2051C>A, p.Thr684Asn (NM_001408453.1, NM_001408454.1, NM_001408455.1 and 3 more transcripts); c.2048C>A, p.Thr683Asn (NM_001408458.1, NM_001408459.1, NM_001408460.1 and 7 more transcripts); c.2045C>A, p.Thr682Asn (NM_001408468.1, NM_001408469.1, NM_001408470.1); c.*15C>A (NM_001408472.1, NM_001408473.1, NM_007299.4 and 14 more transcripts); c.1991C>A, p.Thr664Asn (NM_001408474.1); c.1988C>A, p.Thr663Asn (NM_001408475.1, NM_001408476.1); and 74 more; short protein forms T1834N, T1855N, T1787N, T730N, T1538N, T1744N, T1767N, T1785N.
Identifiers: ClinVar variation 840931 (VCV000840931.16), dbSNP rs730881500, ClinGen allele CA10590307.